The following is an entry in ClinVar:

NM_001007563.3(IGFBPL1):c.444C>T (p.Asp148=)

Gene: IGFBPL1 (insulin like growth factor binding protein like 1; minus strand). Cytogenetic location: 9p13.1.
Variant type: single nucleotide variant.
Coding change: c.444C>T on transcript NM_001007563.3 (MANE Select); coding-DNA position 444, C replaced by T.
Protein change: p.Asp148=; no amino-acid change (aspartic acid 148 retained).
Molecular consequence: synonymous variant.
Genome position (GRCh38, 1-based): chr9:38,423,981, G>A on the plus strand (C>T on the coding strand, the complement: IGFBPL1 is on the minus strand). VCF-style: chr9-38423981-G-A. GRCh37 (hg19) VCF-style: chr9-38423978-G-A.
Identifiers: ClinVar variation 2659198 (VCV002659198.24), dbSNP rs370381860, ClinGen allele CA5064312.
Genomic context (GRCh38, chr9:38,423,981, plus strand): 5'-GAATCCCTCCTTCTCTACCCACCCAATCCCCGACCCTGACTCACCGAACTCGCAAGGGCC[G>A]TCGCGCGCCTTGTGCAGGTGACCGGGGTGCGCGCGGGGCGTGTGCCGAGCGCGCAGGCGC-3'
Protein context (NP_001007564.1, residues 138-158): AHPGHLHKAR[Asp148=]GPCEFAPVVV

ClinVar aggregate classification (germline): Likely benign (1 of 4 stars; one submission).

Allele frequency attached by ClinVar (database versions not stated): 1000 Genomes Project 30x 0.00031; 1000 Genomes Project 0.00060; TOPMed 0.00192; gnomAD 0.00239; ESP Exome Variant Server 0.00291; ExAC 0.00591.
gnomAD v4.1: 4,543 of 1,405,402 alleles (0.32%); highest among the groups gnomAD compares: Non-Finnish European, 0.39%; 19 homozygotes.

Submission:

CeGaT Center for Human Genetics Tuebingen
Classification: Likely benign. Last evaluated: 2022-05-01. Review status: criteria provided, single submitter. Criteria: CeGaT Center For Human Genetics Tuebingen Variant Classification Criteria Version 2. Collection method: clinical testing. Allele origin: germline. Affected: yes. Observed: 1 variant allele.
Comment: IGFBPL1: BP4, BP7